The following is an entry in ClinVar:

NM_001145252.3(CFP):c.1284C>T (p.Asn428=)

Gene: CFP (complement factor properdin; minus strand). Cytogenetic location: Xp11.23.
Variant type: single nucleotide variant.
Coding change: c.1284C>T on transcript NM_001145252.3 (MANE Select); coding-DNA position 1284, C replaced by T.
Protein change: p.Asn428=; no amino-acid change (asparagine 428 retained).
Molecular consequence: synonymous variant.
Genome position (GRCh38, 1-based): chrX:47,624,401, G>A on the plus strand (C>T on the coding strand, the complement: CFP is on the minus strand). VCF-style: chrX-47624401-G-A. GRCh37 (hg19) VCF-style: chrX-47483800-G-A.
Other names: c.1284C>T, p.Asn428= (NM_002621.2).
Identifiers: ClinVar variation 402535 (VCV000402535.21), dbSNP rs1048118, ClinGen allele CA10398821.
Genomic context (GRCh38, chrX:47,624,401, plus strand): 5'-CACCAGCTTCTGCCCTTGTAGCTCCTCACACCGTGGCAGCGGTCTCCCCCAGAAGGTCAC[G>A]TTCTTCTCGCCCTGACCTTCGACCATGGAAACGGTGGGCCTGAGGCATTAGGGGTGGGGA-3'
Protein context (NP_001138724.1, residues 418-438): VSMVEGQGEK[Asn428=]VTFWGRPLPR

ClinVar aggregate classification (germline): Benign/Likely benign. Review status: criteria provided, multiple submitters, no conflicts (2 of 4 stars). 7 submissions from 7 submitters: Benign (4); Likely benign (1). 2 of the submissions do not count toward it. Last evaluated 2026-02-04.

Allele frequency attached by ClinVar (database versions not stated): 1000 Genomes Project 0.20689; 1000 Genomes Project 30x 0.20812; gnomAD exomes 0.22318 and 0.23950; ExAC 0.22872; gnomAD 0.23013 and 0.23155; TOPMed 0.23129; ESP Exome Variant Server 0.23819.

Submissions (7):

Labcorp Genetics (formerly Invitae), Labcorp
Classification: Benign. Last evaluated: 2026-02-04. Review status: criteria provided, single submitter. Criteria: Invitae Variant Classification Sherloc (09022015). Collection method: clinical testing. Allele origin: germline.

Women's Health and Genetics/Laboratory Corporation of America, LabCorp
Classification: Benign. Last evaluated: 2026-01-21. Review status: criteria provided, single submitter. Criteria: LabCorp Variant Classification Summary - May 2015. Collection method: clinical testing. Allele origin: germline.

Blueprint Genetics
Classification: Likely benign. Last evaluated: 2024-11-28. Review status: criteria provided, single submitter. Criteria: ACMG Guidelines, 2015. Collection method: clinical testing. Allele origin: germline.

Laboratory for Molecular Medicine, Mass General Brigham Personalized Medicine
Classification: Benign. Last evaluated: 2016-03-28. Review status: criteria provided, single submitter. Criteria: LMM Criteria. Collection method: clinical testing. Allele origin: germline.
Comment: Variant identified in a genome or exome case(s) and assessed due to predicted null impact of the variant or pathogenic assertions in the literature or databases. Disclaimer: This variant has not undergone full assessment. The following are preliminary notes: MAF

Breakthrough Genomics
Classification: Benign. Review status: criteria provided, single submitter. Criteria: ACMG Guidelines, 2015. Collection method: not provided. Allele origin: germline. Inheritance: X-linked inheritance. Affected: yes.

Diagnostic Laboratory, Department of Genetics, University Medical Center Groningen
Classification: Benign. Review status: no assertion criteria provided. Collection method: clinical testing. Allele origin: germline. Affected: yes. Study: VKGL Data-share Consensus. Not counted in ClinVar's aggregate classification.

Joint Genome Diagnostic Labs from Nijmegen and Maastricht, Radboudumc and MUMC+
Classification: Benign. Review status: no assertion criteria provided. Collection method: clinical testing. Allele origin: germline. Affected: yes. Study: VKGL Data-share Consensus. Not counted in ClinVar's aggregate classification.